The following is an entry in ClinVar:

NM_001165963.4(SCN1A):c.5291T>A (p.Phe1764Tyr)

Genes: SCN1A (sodium voltage-gated channel alpha subunit 1; minus strand), LOC102724058 (uncharacterized LOC102724058; plus strand). Cytogenetic location: 2q24.3.
Variant type: single nucleotide variant.
Coding change: c.5291T>A on transcript NM_001165963.4 (MANE Select); coding-DNA position 5291, T replaced by A.
Protein change: p.Phe1764Tyr; replaces phenylalanine 1764 with tyrosine.
Molecular consequence: missense variant. On other transcripts: non-coding transcript variant (1).
Genome position (GRCh38, 1-based): chr2:165,991,984, A>T on the plus strand (T>A on the coding strand, the complement: SCN1A is on the minus strand). VCF-style: chr2-165991984-A-T. GRCh37 (hg19) VCF-style: chr2-166848494-A-T.
Other names: p.F1764Y:TTC>TAC; c.5207T>A, p.Phe1736Tyr (NM_001165964.3, NM_001353957.2, NM_001353958.2); c.5291T>A, p.Phe1764Tyr (NM_001202435.3, NM_001353948.2); c.5258T>A, p.Phe1753Tyr (NM_001353949.2, NM_001353950.2, NM_001353951.2 and 2 more transcripts); c.5255T>A, p.Phe1752Tyr (NM_001353954.2, NM_001353955.2); c.5204T>A, p.Phe1735Tyr (NM_001353960.2); c.2849T>A, p.Phe950Tyr (NM_001353961.2); c.5291T>A (NM_001165963.2); short protein forms F1753Y, F1764Y, F1752Y, F950Y, F1735Y, F1736Y.
Identifiers: ClinVar variation 206863 (VCV000206863.18), dbSNP rs796053037, ClinGen allele CA317597.

ClinVar aggregate classification (germline): Conflicting classifications of pathogenicity. Review status: criteria provided, conflicting classifications (1 of 4 stars). 3 submissions from 3 submitters: Pathogenic (1); Likely pathogenic (1); Uncertain significance (1). Last evaluated 2025-05-22.

Conditions:
Early-infantile DEE. Also called: Ohtahara syndrome; Early infantile epileptic encephalopathy; Early infantile epileptic encephalopathy with suppression bursts. Identifiers: Orphanet 1934, MedGen C0393706, MONDO:0800491.

Allele frequency attached by ClinVar (database versions not stated): gnomAD 0.00001; TOPMed 0.00001.
gnomAD v4.1: 2 of 1,613,860 alleles (0.00012%); highest among the groups gnomAD compares: Admixed American, 0.0033%; no homozygotes.

Submissions (3):

Labcorp Genetics (formerly Invitae), Labcorp
Classification: Pathogenic for Early-infantile DEE. Last evaluated: 2025-05-22. Review status: criteria provided, single submitter. Criteria: Invitae Variant Classification Sherloc (09022015). Collection method: clinical testing. Allele origin: germline.
Comment: This sequence change replaces phenylalanine, which is neutral and non-polar, with tyrosine, which is neutral and polar, at codon 1764 of the SCN1A protein (p.Phe1764Tyr). This variant is not present in population databases (gnomAD no frequency). This missense change has been observed in individuals with clinical features of autosomal dominant developmental and epileptic encephalopathy (PMID: 29655203; internal data). ClinVar contains an entry for this variant (Variation ID: 206863). Invitae Evidence Modeling of protein sequence and biophysical properties (such as structural, functional, and spatial information, amino acid conservation, physicochemical variation, residue mobility, and thermodynamic stability) indicates that this missense variant is expected to disrupt SCN1A protein function with a positive predictive value of 95%. For these reasons, this variant has been classified as Pathogenic.

GeneDx
Classification: Uncertain significance. Last evaluated: 2025-01-22. Review status: criteria provided, single submitter. Criteria: GeneDx Variant Classification Process June 2021. Collection method: clinical testing. Allele origin: germline. Affected: yes.
Comment: Identified in at least one individual in a cohort of individuals with epilepsy and neurodevelopmental disorders in published literature (PMID: 29655203); This substitution is predicted to be within the transmembrane segment S6 of the fourth homologous domain; Not observed at significant frequency in large population cohorts (gnomAD); In silico analysis supports that this missense variant does not alter protein structure/function; This variant is associated with the following publications: (PMID: 29655203)

Center for Personalized Medicine, Children's Hospital Los Angeles
Classification: Likely pathogenic. Last evaluated: 2022-12-21. Review status: criteria provided, single submitter. Criteria: ACMG Guidelines, 2015. Collection method: clinical testing. Allele origin: unknown. Affected: yes.

Literature cited by the submitters: PubMed 29655203 (cited by Labcorp Genetics (formerly Invitae), Labcorp).